The following is an entry in ClinVar:

ClinVar aggregate classification (germline): Benign. Review status: criteria provided, multiple submitters, no conflicts (2 of 4 stars). 3 submissions from 3 submitters: Benign (3). Last evaluated 2024-01-24.

Allele frequency attached by ClinVar (database versions not stated): TOPMed 0.41704; gnomAD 0.43968 and 0.44010; 1000 Genomes Project 30x 0.35821; 1000 Genomes Project 0.36182.
gnomAD v4.1: 819,998 of 1,602,148 alleles (51%); highest among the groups gnomAD compares: Middle Eastern, 57%; 216,514 homozygotes.

Submissions (3):

Unidad de Genómica Garrahan, Hospital de Pediatría Garrahan
Classification: Benign. Last evaluated: 2024-01-24. Review status: criteria provided, single submitter. Criteria: ACMG Guidelines, 2015. Collection method: clinical testing. Allele origin: germline. Affected: no. Observed: 50 variant alleles.
Comment: This variant is classified as Benign based on local population frequency. This variant was detected in 57% of patients studied by a panel of primary immunodeficiencies. Number of patients: 50. Only high quality variants are reported.

GeneDx
Classification: Benign. Last evaluated: 2018-07-09. Review status: criteria provided, single submitter. Criteria: GeneDx Variant Classification Process June 2021. Collection method: clinical testing. Allele origin: germline. Affected: yes.

Breakthrough Genomics
Classification: Benign. Review status: criteria provided, single submitter. Criteria: ACMG Guidelines, 2015. Collection method: not provided. Allele origin: germline. Inheritance: Autosomal recessive inheritance. Affected: yes.

NM_152468.5(TMC8):c.299-54G>C

Genes: TMC6 (transmembrane channel like 6; minus strand), TMC8 (transmembrane channel like 8; plus strand), LOC130061793 (ATAC-STARR-seq lymphoblastoid silent region 9044; plus strand). Cytogenetic location: 17q25.3.
Variant type: single nucleotide variant.
Coding change: c.299-54G>C on transcript NM_152468.5 (MANE Select); 54 bases into the intron before coding-DNA position 299, G replaced by C.
Molecular consequence: intron variant.
Genome position (GRCh38, 1-based): chr17:78,132,305, G>C. VCF-style: chr17-78132305-G-C. GRCh37 (hg19) VCF-style: chr17-76128386-G-C.
Other names: c.-75+36C>G (NM_007267.7).
Identifiers: ClinVar variation 1250359 (VCV001250359.7), dbSNP rs1354985, ClinGen allele CA14388541.